The following is an entry in ClinVar:

NC_000002.11:g.(?_233200473)_(233201350_?)dup

Gene: DIS3L2 (DIS3 like 3'-5' exoribonuclease 2; plus strand). Cytogenetic location: 2q37.1.
Variant type: Duplication.
Identifiers: ClinVar variation 658978 (VCV000658978.1).

ClinVar aggregate classification (germline): Uncertain significance (1 of 4 stars; one submission).

Conditions:
Perlman syndrome (PRLMNS). Identifiers: Orphanet 2849, MedGen C0796113, MONDO:0009965, OMIM 267000.

Submission:

Labcorp Genetics (formerly Invitae), Labcorp
Classification: Uncertain significance for Renal hamartomas nephroblastomatosis and fetal gigantism. Last evaluated: 2018-12-13. Review status: criteria provided, single submitter. Criteria: Invitae Variant Classification Sherloc (09022015). Collection method: clinical testing. Allele origin: germline.
Comment: This variant results in a copy number gain of the genomic region encompassing exons 20-21 of the DIS3L2 gene. The 5' boundary is likely confined to intron 19. The 3' end of this event is unknown as it extends beyond the assayed region for this gene and therefore may encompass additional genes. As the precise location of this event is unknown, it may be in tandem or it may be located elsewhere in the genome. This variant has not been reported in the literature in individuals with DIS3L2-related conditions. In summary, the available evidence is currently insufficient to determine the role of this variant in disease. Therefore, it has been classified as a Variant of Uncertain Significance.